The following is an entry in ClinVar:

NM_000238.4(KCNH2):c.2398+5G>T

Gene: KCNH2 (potassium voltage-gated channel subfamily H member 2; minus strand). Cytogenetic location: 7q36.1.
Variant type: single nucleotide variant.
Coding change: c.2398+5G>T on transcript NM_000238.4 (MANE Select); 5 bases into the intron after coding-DNA position 2398, G replaced by T.
Molecular consequence: intron variant. On other transcripts: missense variant (5).
Genome position (GRCh38, 1-based): chr7:150,950,163, C>A on the plus strand (G>T on the coding strand, the complement: KCNH2 is on the minus strand). VCF-style: chr7-150950163-C-A. GRCh37 (hg19) VCF-style: chr7-150647251-C-A.
Other names: c.1383G>T, p.Met461Ile (NM_001204798.2); c.2226G>T, p.Met742Ile (NM_001406755.1); c.2115G>T, p.Met705Ile (NM_001406756.1); c.2103G>T, p.Met701Ile (NM_001406757.1); c.2403G>T, p.Met801Ile (NM_172056.3); c.1378+5G>T (NM_172057.3); short protein forms M801I, M461I, M705I, M701I, M742I.
Identifiers: ClinVar variation 200446 (VCV000200446.13), dbSNP rs1554425149, ClinGen allele CA006674.

ClinVar aggregate classification (germline): Conflicting classifications of pathogenicity. Review status: criteria provided, conflicting classifications (1 of 4 stars). 4 submissions from 4 submitters: Pathogenic (1); Likely pathogenic (2); Uncertain significance (1). Last evaluated 2025-06-10.

Conditions:
Cardiovascular phenotype. Identifiers: MedGen CN230736.
Cardiac arrhythmia. Also called: Arrhythmia; Cardiac rhythm disease. Identifiers: MedGen C0003811, MONDO:0007263, HP:0011675.
Long QT syndrome (LQTS). Identifiers: MedGen C0023976, MeSH D008133, MONDO:0002442. Disease mechanism: loss of function. Inheritance: Various modes of inheritance.

Submissions (4):

Color Diagnostics, LLC DBA Color Health
Classification: Uncertain significance for Cardiac arrhythmia. Last evaluated: 2025-06-10. Review status: criteria provided, single submitter. Criteria: ACMG Guidelines, 2015. Collection method: clinical testing. Allele origin: germline.
Comment: This variant causes a G to T nucleotide substitution at the +5 position of intron 9 of the KCNH2 gene. Splice prediction tools indicate mild impact of this variant on RNA splicing. A minigene splicing study has shown that this variant causes skipping of exon 9 and is predicted to result in premature protein truncation (PMID: 36197721). This variant has been reported in at least 6 individuals with long QT syndrome (PMID: 19716085, 19841300, 24103226, 32893267) and in an individual with sudden unexplained death (PMID: 22677073). This variant has not been identified in the general population by the Genome Aggregation Database (gnomAD). The available evidence is insufficient to determine the role of this variant in disease conclusively. Therefore, this variant is classified as a Variant of Uncertain Significance.

Labcorp Genetics (formerly Invitae), Labcorp
Classification: Pathogenic for Long QT syndrome. Last evaluated: 2024-02-29. Review status: criteria provided, single submitter. Criteria: Invitae Variant Classification Sherloc (09022015). Collection method: clinical testing. Allele origin: germline.
Comment: This sequence change falls in intron 9 of the KCNH2 gene. It does not directly change the encoded amino acid sequence of the KCNH2 protein. It affects a nucleotide within the consensus splice site. This variant is not present in population databases (gnomAD no frequency). This variant has been observed in individuals with long QT syndrome (PMID: 19841300). ClinVar contains an entry for this variant (Variation ID: 200446). Variants that disrupt the consensus splice site are a relatively common cause of aberrant splicing (PMID: 17576681, 9536098). Algorithms developed to predict the effect of sequence changes on RNA splicing suggest that this variant may disrupt the consensus splice site. For these reasons, this variant has been classified as Pathogenic.

Ambry Genetics
Classification: Likely pathogenic for Cardiovascular phenotype. Last evaluated: 2023-06-02. Review status: criteria provided, single submitter. Criteria: Ambry Variant Classification Scheme 2023. Collection method: clinical testing. Allele origin: germline.
Comment: The c.2398+5G>T intronic variant results from a G to T substitution 5 nucleotides after coding exon 9 in the KCNH2 gene. This variant has been detected in several individuals from long QT syndrome (LQTS) cohorts or who were referred for LQTS genetic testing; however, some reports may overlap and details were limited (Kapa S et al. Circulation, 2009 Nov;120:1752-60; Kapplinger JD et al. Heart Rhythm, 2009 Sep;6:1297-303; Anderson JH et al. Heart Rhythm, 2014 Jan;11:53-7). A minigene study has indicated that this variant may result in aberrant splicing (O'Neill MJ et al. Circ Genom Precis Med, 2022 Dec;15:e003782). This variant is considered to be rare based on population cohorts in the Genome Aggregation Database (gnomAD). This nucleotide position is highly conserved in available vertebrate species. In silico splice site analysis predicts that this alteration may result in the creation or strengthening of a novel splice donor site. Based on the majority of available evidence to date, this variant is likely to be pathogenic.

Women's Health and Genetics/Laboratory Corporation of America, LabCorp
Classification: Likely pathogenic for Long QT syndrome. Last evaluated: 2021-01-07. Review status: criteria provided, single submitter. Criteria: LabCorp Variant Classification Summary - May 2015. Collection method: clinical testing. Allele origin: germline.
Comment: Variant summary: KCNH2 c.2398+5G>T alters a conserved nucleotide located close to a canonical splice site and therefore could affect mRNA splicing, leading to a significantly altered protein sequence. Several computational tools predict a significant impact on normal splicing: Four predict that the variant weakens or abolishes a canonical 5-prime donor site. However, these predictions have yet to be confirmed by functional studies. The variant was absent in 250960 control chromosomes. c.2398+5G>T has been reported in the literature in individuals affected with Long QT Syndrome (e.g. Tester_2005, Kapplinger_2009) and in individual with sudden unexpected death (Tester_2012) . These data indicate that the variant is likely to be associated with disease. To our knowledge, no experimental evidence demonstrating an impact on protein function has been reported. One clinical diagnostic laboratory has submitted clinical-significance assessments for this variant to ClinVar after 2014 without evidence for independent evaluation and cited the variant as pathogenic. Based on the evidence outlined above, the variant was classified as likely pathogenic.

Literature cited by the submitters: PubMed 19716085 (cited by 3 submitters); PubMed 19841300 (cited by 4 submitters); PubMed 22677073 (cited by 3 submitters); PubMed 24103226 (cited by 3 submitters); PubMed 32893267 (cited by Color Diagnostics, LLC DBA Color Health); PubMed 36197721 (cited by Color Diagnostics, LLC DBA Color Health and Ambry Genetics); PubMed 17576681 (cited by Labcorp Genetics (formerly Invitae), Labcorp); PubMed 9536098 (cited by Labcorp Genetics (formerly Invitae), Labcorp); PubMed 15840476 (cited by Ambry Genetics and Women's Health and Genetics/Laboratory Corporation of America, LabCorp).